The following is an entry in ClinVar:

ClinVar aggregate classification (germline): Likely benign. Review status: criteria provided, multiple submitters, no conflicts (2 of 4 stars). 3 submissions from 3 submitters: Likely benign (2). 1 of the submissions does not count toward it. Last evaluated 2024-11-23.

Conditions:
BCAM-related disorder. Also called: BCAM-related condition.

Allele frequency attached by ClinVar (database versions not stated): 1000 Genomes Project 30x 0.00125; 1000 Genomes Project 0.00140; TOPMed 0.00338; ESP Exome Variant Server 0.00398; gnomAD 0.00401; ExAC 0.01572.

Submissions (3):

Blueprint Genetics
Classification: Likely benign. Last evaluated: 2024-11-23. Review status: criteria provided, single submitter. Criteria: ACMG Guidelines, 2015. Collection method: clinical testing. Allele origin: germline.

CeGaT Center for Human Genetics Tuebingen
Classification: Likely benign. Last evaluated: 2023-04-01. Review status: criteria provided, single submitter. Criteria: CeGaT Center For Human Genetics Tuebingen Variant Classification Criteria Version 2. Collection method: clinical testing. Allele origin: germline. Affected: yes. Observed: 1 variant allele.
Comment: BCAM: BS2

PreventionGenetics, part of Exact Sciences
Classification: Benign for BCAM-related condition. Last evaluated: 2019-12-17. Review status: no assertion criteria provided. Collection method: clinical testing. Allele origin: germline. Not counted in ClinVar's aggregate classification.
Comment: This variant is classified as benign based on ACMG/AMP sequence variant interpretation guidelines (Richards et al. 2015 PMID: 25741868, with internal and published modifications).

NM_005581.5(BCAM):c.1766C>T (p.Pro589Leu)

Gene: BCAM (basal cell adhesion molecule (Lutheran blood group); plus strand). Cytogenetic location: 19q13.32.
Variant type: single nucleotide variant.
Coding change: c.1766C>T on transcript NM_005581.5 (MANE Select); coding-DNA position 1766, C replaced by T.
Protein change: p.Pro589Leu; replaces proline 589 with leucine.
Molecular consequence: missense variant. On other transcripts: 3 prime UTR variant (1).
Genome position (GRCh38, 1-based): chr19:44,820,707, C>T. VCF-style: chr19-44820707-C-T. GRCh37 (hg19) VCF-style: chr19-45323964-C-T.
Other names: c.*977C>T (NM_001013257.2); short protein forms P589L.
Identifiers: ClinVar variation 2650087 (VCV002650087.26), dbSNP rs199854072, ClinGen allele CA9504951.